The following is an entry in ClinVar:

ClinVar aggregate classification (germline): Pathogenic (1 of 4 stars; one submission).

Submission:

GeneDx
Classification: Pathogenic. Last evaluated: 2023-08-10. Review status: criteria provided, single submitter. Criteria: GeneDx Variant Classification Process June 2021. Collection method: clinical testing. Allele origin: germline. Affected: yes.
Comment: Reported in a patient with early-onset epileptic encephalopathy and severe developmental delay in published literature (Kobayashi et al., 2021); Nonsense variant predicted to result in protein truncation or nonsense mediated decay in a gene for which loss of function is a known mechanism of disease; Not observed at significant frequency in large population cohorts (gnomAD); This variant is associated with the following publications: (PMID: 33436160)

NM_001323289.2(CDKL5):c.584G>A (p.Trp195Ter)

Gene: CDKL5 (cyclin dependent kinase like 5; plus strand). Cytogenetic location: Xp22.13.
Variant type: single nucleotide variant.
Coding change: c.584G>A on transcript NM_001323289.2 (MANE Select); coding-DNA position 584, G replaced by A.
Protein change: p.Trp195Ter; replaces tryptophan 195 with a stop codon.
Molecular consequence: nonsense.
Genome position (GRCh38, 1-based): chrX:18,587,983, G>A. VCF-style: chrX-18587983-G-A. GRCh37 (hg19) VCF-style: chrX-18606103-G-A.
Other names: c.584G>A, p.Trp195Ter (NM_001037343.2, NM_003159.3); short protein forms W195*.
Identifiers: ClinVar variation 3342315 (VCV003342315.1).